The following is an entry in ClinVar:

NM_005422.4(TECTA):c.4198C>T (p.His1400Tyr)

Genes: TBCEL-TECTA (TBCEL-TECTA readthrough; plus strand), TECTA (tectorin alpha; plus strand). Cytogenetic location: 11q23.3.
Variant type: single nucleotide variant.
Coding change: c.4198C>T on transcript NM_005422.4 (MANE Select); coding-DNA position 4198, C replaced by T.
Protein change: p.His1400Tyr; replaces histidine 1400 with tyrosine.
Molecular consequence: missense variant.
Genome position (GRCh38, 1-based): chr11:121,152,973, C>T. VCF-style: chr11-121152973-C-T. GRCh37 (hg19) VCF-style: chr11-121023682-C-T.
Other names: c.5155C>T, p.His1719Tyr (NM_001378761.1); short protein forms H1400Y, H1719Y.
Identifiers: ClinVar variation 724907 (VCV000724907.9), dbSNP rs533600007, ClinGen allele CA6327389.
Genomic context (GRCh38, chr11:121,152,973, plus strand): 5'-AGCTGCGTGAGTGTCTGCCAGCCCCGCTGCGCCGCCATCCGCCTGAAGAGTGACTGCAGC[C>T]ACTACTGCGTGGAGGGCTGTCACTGCGACGCTGGCTACGTCCTCAACGGCAAGAGCTGCA-3'
Protein context (NP_005413.2, residues 1390-1410): AAIRLKSDCS[His1400Tyr]YCVEGCHCDA

ClinVar aggregate classification (germline): Conflicting classifications of pathogenicity. Review status: criteria provided, conflicting classifications (1 of 4 stars). 4 submissions from 4 submitters: Uncertain significance (1); Likely benign (3). Last evaluated 2026-05-27.

Conditions:
TECTA-related disorder. Also called: TECTA-related condition.

Allele frequency attached by ClinVar (database versions not stated): gnomAD 0.00003 and 0.00005; gnomAD exomes 0.00006 and 0.00023; TOPMed 0.00010; 1000 Genomes Project 30x 0.00016; 1000 Genomes Project 0.00020; ExAC 0.00021.
gnomAD v4.1: 103 of 1,614,178 alleles (0.0064%); highest among the groups gnomAD compares: East Asian, 0.22%; no homozygotes.

Submissions (4):

PreventionGenetics, part of Exact Sciences
Classification: Likely benign for TECTA-related condition. Last evaluated: 2026-05-27. Review status: criteria provided, single submitter. Criteria: ACMG Guidelines, 2015. Collection method: clinical testing. Allele origin: germline.
Comment: This variant is classified as likely benign based on ACMG/AMP sequence variant interpretation guidelines (Richards et al. 2015 PMID: 25741868, with internal and published modifications).

Labcorp Genetics (formerly Invitae), Labcorp
Classification: Likely benign. Last evaluated: 2024-10-28. Review status: criteria provided, single submitter. Criteria: Invitae Variant Classification Sherloc (09022015). Collection method: clinical testing. Allele origin: germline.

Blueprint Genetics
Classification: Uncertain significance. Last evaluated: 2024-01-12. Review status: criteria provided, single submitter. Criteria: ACMG Guidelines, 2015. Collection method: clinical testing. Allele origin: germline.

GeneDx
Classification: Likely benign. Last evaluated: 2020-03-05. Review status: criteria provided, single submitter. Criteria: GeneDx Variant Classification Process June 2021. Collection method: clinical testing. Allele origin: germline. Affected: yes.
Comment: This variant is associated with the following publications: (PMID: 22718023, 30935366, 25788563, 23967202)